The following is an entry in ClinVar:

NM_006302.3(MOGS):c.838C>T (p.Arg280Cys)

Gene: MOGS (mannosyl-oligosaccharide glucosidase; minus strand). Cytogenetic location: 2p13.1.
Variant type: single nucleotide variant.
Coding change: c.838C>T on transcript NM_006302.3 (MANE Select); coding-DNA position 838, C replaced by T.
Protein change: p.Arg280Cys; replaces arginine 280 with cysteine.
Molecular consequence: missense variant.
Genome position (GRCh38, 1-based): chr2:74,462,951, G>A on the plus strand (C>T on the coding strand, the complement: MOGS is on the minus strand). VCF-style: chr2-74462951-G-A. GRCh37 (hg19) VCF-style: chr2-74690078-G-A.
Other names: c.520C>T, p.Arg174Cys (NM_001146158.2); short protein forms R174C, R280C.
Identifiers: ClinVar variation 853350 (VCV000853350.7), dbSNP rs372551243, ClinGen allele CA1724913.
Genomic context (GRCh38, chr2:74,462,951, plus strand): 5'-AGCCGAGGTAGCGTTCAGGGGGGGCCCCTGGGGGCCGATGCTGAAACCAGCTATTTAGGC[G>A]ACTCTTTACCATCTCTGTCAGCAGGGGCAGTCCTGGGTTGGAGGTCCAGAAGACATTGTA-3'
Protein context (NP_006293.2, residues 270-290): LPLLTEMVKS[Arg280Cys]LNSWFQHRPP

ClinVar aggregate classification (germline): Uncertain significance (1 of 4 stars; one submission).

Conditions:
MOGS-congenital disorder of glycosylation. Also called: GLUCOSIDASE I DEFICIENCY; MOGS-CDG; CDG IIb; CDG 2B. Identifiers: Orphanet 79330, MedGen C1853736, MONDO:0011629, OMIM 606056.

Allele frequency attached by ClinVar (database versions not stated): gnomAD 0.00001; TOPMed 0.00001; ExAC 0.00002; gnomAD exomes 0.00002; ESP Exome Variant Server 0.00008.

Submission:

Labcorp Genetics (formerly Invitae), Labcorp
Classification: Uncertain significance for MOGS-congenital disorder of glycosylation. Last evaluated: 2021-08-27. Review status: criteria provided, single submitter. Criteria: Invitae Variant Classification Sherloc (09022015). Collection method: clinical testing. Allele origin: germline.
Comment: This sequence change replaces arginine with cysteine at codon 280 of the MOGS protein (p.Arg280Cys). The arginine residue is weakly conserved and there is a large physicochemical difference between arginine and cysteine. This variant is present in population databases (rs372551243, ExAC 0.006%). This variant has not been reported in the literature in individuals affected with MOGS-related conditions. Algorithms developed to predict the effect of missense changes on protein structure and function are either unavailable or do not agree on the potential impact of this missense change (SIFT: "Tolerated"; PolyPhen-2: "Possibly Damaging"; Align-GVGD: "Class C15"). In summary, the available evidence is currently insufficient to determine the role of this variant in disease. Therefore, it has been classified as a Variant of Uncertain Significance.